The following is an entry in ClinVar:

NM_001814.6(CTSC):c.1346C>T (p.Ala449Val)

Gene: CTSC (cathepsin C; minus strand). Cytogenetic location: 11q14.2.
Variant type: single nucleotide variant.
Coding change: c.1346C>T on transcript NM_001814.6 (MANE Select); coding-DNA position 1346, C replaced by T.
Protein change: p.Ala449Val; replaces alanine 449 with valine.
Molecular consequence: missense variant.
Genome position (GRCh38, 1-based): chr11:88,294,052, G>A on the plus strand (C>T on the coding strand, the complement: CTSC is on the minus strand). VCF-style: chr11-88294052-G-A. GRCh37 (hg19) VCF-style: chr11-88027220-G-A.
Other names: short protein forms A449V.
Identifiers: ClinVar variation 851940 (VCV000851940.6), dbSNP rs1248449287, ClinGen allele CA382021339.

ClinVar aggregate classification (germline): Uncertain significance (1 of 4 stars; one submission).

Conditions:
Periodontitis, aggressive. Identifiers: MedGen C0031106, MONDO:0980757.
Haim-Munk syndrome (HMS). Also called: COCHIN JEWISH DISORDER; KERATOSIS PALMOPLANTARIS WITH PERIODONTOPATHIA AND ONYCHOGRYPOSIS. Identifiers: Orphanet 2342, MedGen C1855627, MONDO:0009491, OMIM 245010.
Papillon-Lefèvre syndrome (PALS). Also called: Papillon-Lefevre Disease; KERATOSIS PALMOPLANTARIS WITH PERIODONTOPATHIA. Identifiers: Orphanet 678, MedGen C0030360, MONDO:0009490, OMIM 245000.

Allele frequency attached by ClinVar (database versions not stated): TOPMed below 0.00001; gnomAD 0.00001; gnomAD exomes 0.00001.
gnomAD v4.1: 20 of 1,613,784 alleles (0.0012%); highest among the groups gnomAD compares: African/African-American, 0.0027%; no homozygotes.

Submission:

Labcorp Genetics (formerly Invitae), Labcorp
Classification: Uncertain significance for Haim-Munk syndrome; Periodontitis, aggressive; Papillon-Lefèvre syndrome. Last evaluated: 2019-12-30. Review status: criteria provided, single submitter. Criteria: Invitae Variant Classification Sherloc (09022015). Collection method: clinical testing. Allele origin: germline.
Comment: Algorithms developed to predict the effect of missense changes on protein structure and function are either unavailable or do not agree on the potential impact of this missense change (SIFT: "Not Available"; PolyPhen-2: "Possibly Damaging"; Align-GVGD: "Class Not Available"). This variant has not been reported in the literature in individuals with CTSC-related conditions. This variant is not present in population databases (ExAC no frequency). This sequence change replaces alanine with valine at codon 449 of the CTSC protein (p.Ala449Val). The alanine residue is highly conserved and there is a small physicochemical difference between alanine and valine. In summary, the available evidence is currently insufficient to determine the role of this variant in disease. Therefore, it has been classified as a Variant of Uncertain Significance.